The following is an entry in ClinVar:

ClinVar aggregate classification (germline): Uncertain significance (1 of 4 stars; one submission).

Conditions:
Hereditary pancreatitis (PCTT). Also called: Hereditary chronic pancreatitis; PRSS1-Related Hereditary Pancreatitis. Identifiers: Orphanet 676, MedGen C0238339, MONDO:0008185, OMIM 167800.

Submission:

Ambry Genetics
Classification: Uncertain significance for Hereditary pancreatitis. Last evaluated: 2026-04-20. Review status: criteria provided, single submitter. Criteria: Ambry Variant Classification Scheme 2023. Collection method: clinical testing. Allele origin: germline.
Comment: The p.T103I variant (also known as c.308C>T), located in coding exon 3 of the PRSS1 gene, results from a C to T substitution at nucleotide position 308. The threonine at codon 103 is replaced by isoleucine, an amino acid with similar properties. This amino acid position is conserved. In addition, the in silico prediction for this alteration is inconclusive. Based on the available evidence, the clinical significance of this variant remains unclear.

NM_002769.5(PRSS1):c.308C>T (p.Thr103Ile)

Genes: PRSS1 (serine protease 1; plus strand), TRB (T cell receptor beta locus; plus strand). Cytogenetic location: 7q34.
Variant type: single nucleotide variant.
Coding change: c.308C>T on transcript NM_002769.5 (MANE Select); coding-DNA position 308, C replaced by T.
Protein change: p.Thr103Ile; replaces threonine 103 with isoleucine.
Molecular consequence: missense variant. On other transcripts: non-coding transcript variant (4).
Genome position (GRCh38, 1-based): chr7:142,751,881, C>T. VCF-style: chr7-142751881-C-T. GRCh37 (hg19) VCF-style: chr7-142459732-C-T.
Other names: short protein forms T103I.
Identifiers: ClinVar variation 4862592 (VCV004862592.1).